The following is an entry in ClinVar:

NM_003664.5(AP3B1):c.28G>A (p.Glu10Lys)

Gene: AP3B1 (adaptor related protein complex 3 subunit beta 1; minus strand). Cytogenetic location: 5q14.1.
Variant type: single nucleotide variant.
Coding change: c.28G>A on transcript NM_003664.5 (MANE Select); coding-DNA position 28, G replaced by A.
Protein change: p.Glu10Lys; replaces glutamic acid 10 with lysine.
Molecular consequence: missense variant. On other transcripts: 5 prime UTR variant (1).
Genome position (GRCh38, 1-based): chr5:78,294,552, C>T on the plus strand (G>A on the coding strand, the complement: AP3B1 is on the minus strand). VCF-style: chr5-78294552-C-T. GRCh37 (hg19) VCF-style: chr5-77590376-C-T.
Other names: c.-132G>A (NM_001271769.2); short protein forms E10K.
Identifiers: ClinVar variation 1372015 (VCV001372015.8), dbSNP rs1749672035, ClinGen allele CA360334722.
Genomic context (GRCh38, chr5:78,294,552, plus strand): 5'-GGGAAATGGTTGAGGTCGCCTCCTGACCCAGCTCCGTCGCCTCCCCTCCTCCGGACTGCT[C>T]ATTGTAAGGAAAACTATTGCTGGACATTGCCGCGGTGCTGGCGGGTGCGGGGTTGGTCCT-3'
Protein context (NP_003655.3, residues 1-20): MSSNSFPYN[Glu10Lys]QSGGGEATEL

ClinVar aggregate classification (germline): Uncertain significance (1 of 4 stars; one submission).

Conditions:
Hermansky-Pudlak syndrome 2 (HPS2). Also called: Platelet defects and oculocutaneous albinism. Identifiers: Orphanet 183678, Orphanet 79430, MedGen C1842362, MONDO:0011997, OMIM 608233.

Allele frequency attached by ClinVar (database versions not stated): TOPMed below 0.00001.

Submission:

Labcorp Genetics (formerly Invitae), Labcorp
Classification: Uncertain significance for Hermansky-Pudlak syndrome 2. Last evaluated: 2022-03-03. Review status: criteria provided, single submitter. Criteria: Invitae Variant Classification Sherloc (09022015). Collection method: clinical testing. Allele origin: germline.
Comment: In summary, the available evidence is currently insufficient to determine the role of this variant in disease. Therefore, it has been classified as a Variant of Uncertain Significance. Algorithms developed to predict the effect of missense changes on protein structure and function (SIFT, PolyPhen-2, Align-GVGD) all suggest that this variant is likely to be tolerated. This variant has not been reported in the literature in individuals affected with AP3B1-related conditions. This variant is not present in population databases (gnomAD no frequency). This sequence change replaces glutamic acid, which is acidic and polar, with lysine, which is basic and polar, at codon 10 of the AP3B1 protein (p.Glu10Lys).